The following is an entry in ClinVar:

NM_001492.6(GDF1):c.892G>C (p.Gly298Arg)

Genes: CERS1 (ceramide synthase 1; minus strand), GDF1 (growth differentiation factor 1; minus strand). Cytogenetic location: 19p13.11.
Variant type: single nucleotide variant.
Coding change: c.892G>C on transcript NM_001492.6 (MANE Select); coding-DNA position 892, G replaced by C.
Protein change: p.Gly298Arg; replaces glycine 298 with arginine.
Molecular consequence: missense variant. On other transcripts: 3 prime UTR variant (2).
Genome position (GRCh38, 1-based): chr19:18,868,824, C>G on the plus strand (G>C on the coding strand, the complement: GDF1 is on the minus strand). VCF-style: chr19-18868824-C-G. GRCh37 (hg19) VCF-style: chr19-18979633-C-G.
Other names: c.*1753G>C (NM_001387440.1); c.*1161G>C (NM_021267.5); c.892G>C, p.Gly298Arg (NM_001387438.1); short protein forms G298R.
Identifiers: ClinVar variation 5005956 (VCV005005956.2).
Genomic context (GRCh38, chr19:18,868,824, plus strand): 5'-CGTGGTTGAGCGCCGGCGGCCCCCCGGACCCCGACAGCGCGACGGGCAGCGCGCACTGAC[C>G]CTGGCAGTAGTTGGCCAGGAAGCCGCGCGGCGCGATGACCCAGCGGTGCCAGCCCACCTC-3'
Protein context (NP_001483.3, residues 288-308): PRGFLANYCQ[Gly298Arg]QCALPVALSG

ClinVar aggregate classification (germline): Uncertain significance (1 of 4 stars; one submission).

Conditions:
Congenital heart defects, multiple types, 6 (CHTD6). Identifiers: Orphanet 860, MedGen C3151221, MONDO:0013463, OMIM 613854.
Right atrial isomerism (RAI). Also called: IVEMARK SYNDROME. Identifiers: Orphanet 97548, MedGen C3178806, MONDO:0008832, OMIM 208530, HP:0011536.

Submission:

Juno Genomics, Hangzhou Juno Genomics, Inc
Classification: Uncertain significance for Congenital heart defects, multiple types, 6; Right atrial isomerism. Review status: criteria provided, single submitter. Criteria: ACMG Guidelines, 2015. Collection method: clinical testing. Allele origin: germline.
Comment: Absent from controls (or at extremely low frequency if recessive) in Genome Aggregation Database.;Multiple lines of computational evidence support a deleterious effect on the gene or gene product.